The following is an entry in ClinVar:

ClinVar aggregate classification (germline): Uncertain significance (1 of 4 stars; one submission).

Conditions:
Hereditary cancer-predisposing syndrome. Also called: Hereditary Cancer Syndrome; Hereditary neoplastic syndrome; Neoplastic Syndromes, Hereditary; Tumor predisposition. Identifiers: Orphanet 140162, MedGen C0027672, MeSH D009386, MONDO:0015356.

Submission:

Ambry Genetics
Classification: Uncertain significance for Hereditary cancer-predisposing syndrome. Last evaluated: 2021-07-09. Review status: criteria provided, single submitter. Criteria: Ambry Variant Classification Scheme 2023. Collection method: clinical testing. Allele origin: germline.
Comment: The p.S1457P variant (also known as c.4369T>C), located in coding exon 12 of the BRCA1 gene, results from a T to C substitution at nucleotide position 4369. The serine at codon 1457 is replaced by proline, an amino acid with similar properties. This amino acid position is conserved. In addition, the in silico prediction for this alteration is inconclusive. Since supporting evidence is limited at this time, the clinical significance of this alteration remains unclear.

NM_007294.4(BRCA1):c.4369T>C (p.Ser1457Pro)

Gene: BRCA1 (BRCA1 DNA repair associated; minus strand). Cytogenetic location: 17q21.31.
Variant type: single nucleotide variant.
Coding change: c.4369T>C on transcript NM_007294.4 (MANE Select); coding-DNA position 4369, T replaced by C.
Protein change: p.Ser1457Pro; replaces serine 1457 with proline.
Molecular consequence: missense variant. On other transcripts: non-coding transcript variant (1).
Genome position (GRCh38, 1-based): chr17:43,076,603, A>G on the plus strand (T>C on the coding strand, the complement: BRCA1 is on the minus strand). VCF-style: chr17-43076603-A-G. GRCh37 (hg19) VCF-style: chr17-41228620-A-G.
Other names: c.4030T>C, p.Ser1344Pro (NM_001407956.1, NM_001407957.1, NM_001407958.1); c.3478T>C, p.Ser1160Pro (NM_001407967.1); c.1765T>C, p.Ser589Pro (NM_001407968.1); c.1762T>C, p.Ser588Pro (NM_001407969.1); c.3988T>C, p.Ser1330Pro (NM_001407959.1); c.3985T>C, p.Ser1329Pro (NM_001407960.1, NM_001407962.1); c.3982T>C, p.Ser1328Pro (NM_001407963.1); c.3862T>C, p.Ser1288Pro (NM_001407965.1); and 68 more; short protein forms S1288P, S1345P, S1386P, S1414P, S1415P, S1416P, S1438P, S1454P.
Identifiers: ClinVar variation 1740065 (VCV001740065.2), dbSNP rs2052744765, ClinGen allele CA10592802.
Genomic context (GRCh38, chr17:43,076,603, plus strand): 5'-ACTTGTCAGCAGAAAGGCCTTCTGGATTCTGGCTTATAGGGTATTCACTACTTTTCTGTG[A>G]AGTTAATACTGCTTTAAATGGAATGAGAAAACAAATCTACTTTACTGCTTTGTTCTGATA-3'
Protein context (NP_009225.1, residues 1447-1467): QSTSEKAVLT[Ser1457Pro]QKSSEYPISQ